The following is an entry in ClinVar:

ClinVar aggregate classification (germline): Uncertain significance (1 of 4 stars; one submission).

gnomAD v4.1: 1 of 1,614,148 alleles (0.000062%); no homozygotes.

Submission:

Labcorp Genetics (formerly Invitae), Labcorp
Classification: Uncertain significance. Last evaluated: 2022-10-29. Review status: criteria provided, single submitter. Criteria: Invitae Variant Classification Sherloc (09022015). Collection method: clinical testing. Allele origin: germline.
Comment: This variant is present in population databases (no rsID available, gnomAD 0.006%). This sequence change replaces glutamine, which is neutral and polar, with proline, which is neutral and non-polar, at codon 2009 of the NIN protein (p.Gln2009Pro). This variant has not been reported in the literature in individuals affected with NIN-related conditions. Algorithms developed to predict the effect of missense changes on protein structure and function (SIFT, PolyPhen-2, Align-GVGD) all suggest that this variant is likely to be tolerated. In summary, the available evidence is currently insufficient to determine the role of this variant in disease. Therefore, it has been classified as a Variant of Uncertain Significance.

NM_020921.4(NIN):c.6026A>C (p.Gln2009Pro)

Gene: NIN (ninein; minus strand). Cytogenetic location: 14q22.1.
Variant type: single nucleotide variant.
Coding change: c.6026A>C on transcript NM_020921.4 (MANE Select); coding-DNA position 6026, A replaced by C.
Protein change: p.Gln2009Pro; replaces glutamine 2009 with proline.
Molecular consequence: missense variant.
Genome position (GRCh38, 1-based): chr14:50,729,575, T>G on the plus strand (A>C on the coding strand, the complement: NIN is on the minus strand). VCF-style: chr14-50729575-T-G. GRCh37 (hg19) VCF-style: chr14-51196293-T-G.
Other names: c.3887A>C, p.Gln1296Pro (NM_016350.5); c.6026A>C, p.Gln2009Pro (NM_182944.3, NM_182946.2); short protein forms Q2009P, Q1296P.
Identifiers: ClinVar variation 1952673 (VCV001952673.5), dbSNP rs1197404070, ClinGen allele CA389672972.